The following is an entry in ClinVar:

ClinVar aggregate classification (germline): Uncertain significance. Review status: criteria provided, multiple submitters, no conflicts (2 of 4 stars). 2 submissions from 2 submitters: Uncertain significance (2). Last evaluated 2026-02-04.

Allele frequency attached by ClinVar (database versions not stated): gnomAD 0.00004; TOPMed 0.00007; ESP Exome Variant Server 0.00008.
gnomAD v4.1: 22 of 1,614,014 alleles (0.0014%); highest among the groups gnomAD compares: African/African-American, 0.013%; no homozygotes.

Submissions (2):

Labcorp Genetics (formerly Invitae), Labcorp
Classification: Uncertain significance. Last evaluated: 2026-02-04. Review status: criteria provided, single submitter. Criteria: Invitae Variant Classification Sherloc (09022015). Collection method: clinical testing. Allele origin: germline.
Comment: This sequence change replaces methionine, which is neutral and non-polar, with valine, which is neutral and non-polar, at codon 705 of the A2ML1 protein (p.Met705Val). This variant is present in population databases (rs373817400, gnomAD 0.02%). This variant has not been reported in the literature in individuals affected with A2ML1-related conditions. ClinVar contains an entry for this variant (Variation ID: 1005124). An algorithm developed to predict the effect of missense changes on protein structure and function outputs the following: PolyPhen-2: "Benign". The valine amino acid residue is found in multiple mammalian species, which suggests that this missense change does not adversely affect protein function. In summary, the available evidence is currently insufficient to determine the role of this variant in disease. Therefore, it has been classified as a Variant of Uncertain Significance.

Ambry Genetics
Classification: Uncertain significance. Last evaluated: 2021-12-23. Review status: criteria provided, single submitter. Criteria: Ambry Variant Classification Scheme 2023. Collection method: clinical testing. Allele origin: germline.
Comment: The p.M705V variant (also known as c.2113A>G), located in coding exon 17 of the A2ML1 gene, results from an A to G substitution at nucleotide position 2113. The methionine at codon 705 is replaced by valine, an amino acid with highly similar properties. This amino acid position is conserved. In addition, this alteration is predicted to be tolerated by in silico analysis. Since supporting evidence is limited at this time, the clinical significance of this alteration remains unclear.

NM_144670.6(A2ML1):c.2113A>G (p.Met705Val)

Gene: A2ML1 (alpha-2-macroglobulin like 1; plus strand). Cytogenetic location: 12p13.31.
Variant type: single nucleotide variant.
Coding change: c.2113A>G on transcript NM_144670.6 (MANE Select); coding-DNA position 2113, A replaced by G.
Protein change: p.Met705Val; replaces methionine 705 with valine.
Molecular consequence: missense variant.
Genome position (GRCh38, 1-based): chr12:8,849,753, A>G. VCF-style: chr12-8849753-A-G. GRCh37 (hg19) VCF-style: chr12-9002349-A-G.
Other names: c.640A>G, p.Met214Val (NM_001282424.3); short protein forms M214V, M705V.
Identifiers: ClinVar variation 1005124 (VCV001005124.8), dbSNP rs373817400, ClinGen allele CA6435899.